The following is an entry in ClinVar:

NM_001164508.2(NEB):c.19499T>G (p.Val6500Gly)

Genes: NEB (nebulin; minus strand), LOC126806373 (BRD4-independent group 4 enhancer GRCh37_chr2:152410007-152411206; plus strand). Cytogenetic location: 2q23.3.
Variant type: single nucleotide variant.
Coding change: c.19499T>G on transcript NM_001164508.2 (MANE Select); coding-DNA position 19499, T replaced by G.
Protein change: p.Val6500Gly; replaces valine 6500 with glycine.
Molecular consequence: missense variant.
Genome position (GRCh38, 1-based): chr2:151,553,955, A>C on the plus strand (T>G on the coding strand, the complement: NEB is on the minus strand). VCF-style: chr2-151553955-A-C. GRCh37 (hg19) VCF-style: chr2-152410469-A-C.
Other names: c.19499T>G, p.Val6500Gly (NM_001164507.2, NM_001271208.2); c.14396T>G, p.Val4799Gly (NM_004543.5); short protein forms V4799G, V6500G.
Identifiers: ClinVar variation 1996405 (VCV001996405.4), dbSNP rs2552185362, ClinGen allele CA348791601.

ClinVar aggregate classification (germline): Uncertain significance (1 of 4 stars; one submission).

Conditions:
Nemaline myopathy 2 (NEM2). Also called: Nemaline myopathy 2, autosomal recessive. Identifiers: MedGen C1850569, MONDO:0009725, OMIM 256030.

Submission:

Labcorp Genetics (formerly Invitae), Labcorp
Classification: Uncertain significance for Nemaline myopathy 2. Last evaluated: 2022-05-19. Review status: criteria provided, single submitter. Criteria: Invitae Variant Classification Sherloc (09022015). Collection method: clinical testing. Allele origin: germline.
Comment: In summary, the available evidence is currently insufficient to determine the role of this variant in disease. Therefore, it has been classified as a Variant of Uncertain Significance. Algorithms developed to predict the effect of missense changes on protein structure and function are either unavailable or do not agree on the potential impact of this missense change (SIFT: "Deleterious"; PolyPhen-2: "Not Available"; Align-GVGD: "Class C0"). This variant has not been reported in the literature in individuals affected with NEB-related conditions. This variant is not present in population databases (gnomAD no frequency). This sequence change replaces valine, which is neutral and non-polar, with glycine, which is neutral and non-polar, at codon 6500 of the NEB protein (p.Val6500Gly).